The following is an entry in ClinVar:

NM_138927.4(SON):c.2104_2106dup (p.Thr702_Val703insThr)

Gene: SON (SON DNA and RNA binding protein; plus strand). Cytogenetic location: 21q22.11.
Variant type: Duplication.
Coding change: c.2104_2106dup on transcript NM_138927.4 (MANE Select); coding-DNA positions 2104 to 2106, 3 bases duplicated (ACA; older notation c.2104_2106dupACA).
Protein change: p.Thr702_Val703insThr.
Molecular consequence: inframe insertion. On other transcripts: inframe indel (3), non-coding transcript variant (1), intron variant (1).
Genome position (GRCh38, 1-based): chr21:33,551,335-33,551,337, ACA duplicated; duplicating any 3 consecutive bases within chr21:33,551,334-33,551,337 gives the same sequence; the c. name uses the placement nearest the transcript's 3' end. VCF-style (leftmost placement, unchanged base first): chr21-33551333-T-TAAC. GRCh37 (hg19) VCF-style: chr21-34923639-T-TAAC.
Other names: c.2104_2106dup, p.Thr702_Val703insThr (NM_001291411.2, NM_001412133.1, NM_032195.3 and 2 more transcripts); c.244+4956_244+4958dup (NM_001291412.3).
Identifiers: ClinVar variation 2842550 (VCV002842550.3), dbSNP rs2517360257, ClinGen allele CA2739267595.

ClinVar aggregate classification (germline): Uncertain significance (1 of 4 stars; one submission).

Submission:

Labcorp Genetics (formerly Invitae), Labcorp
Classification: Uncertain significance. Last evaluated: 2023-08-10. Review status: criteria provided, single submitter. Criteria: Invitae Variant Classification Sherloc (09022015). Collection method: clinical testing. Allele origin: germline.
Comment: In summary, the available evidence is currently insufficient to determine the role of this variant in disease. Therefore, it has been classified as a Variant of Uncertain Significance. This variant has not been reported in the literature in individuals affected with SON-related conditions. This variant is not present in population databases (gnomAD no frequency). This variant, c.2104_2106dup, results in the insertion of 1 amino acid(s) of the SON protein (p.Thr702dup), but otherwise preserves the integrity of the reading frame.